The following is an entry in ClinVar:

ClinVar aggregate classification (germline): Likely benign (1 of 4 stars; one submission).

gnomAD v4.1: 30 of 1,606,052 alleles (0.0019%); highest among the groups gnomAD compares: Non-Finnish European, 0.0024%; no homozygotes.

Submission:

CeGaT Center for Human Genetics Tuebingen
Classification: Likely benign. Last evaluated: 2026-08-01. Review status: criteria provided, single submitter. Criteria: CeGaT Center For Human Genetics Tuebingen Variant Classification Criteria Version 2. Collection method: clinical testing. Allele origin: germline. Affected: yes. Observed: 1 variant allele.
Comment: AKT1: BP4, BP7

NM_001382430.1(AKT1):c.634-25C>T

Gene: AKT1 (AKT serine/threonine kinase 1; minus strand). Cytogenetic location: 14q32.33.
Variant type: single nucleotide variant.
Coding change: c.634-25C>T on transcript NM_001382430.1 (MANE Select); 25 bases into the intron before coding-DNA position 634, C replaced by T.
Molecular consequence: intron variant.
Genome position (GRCh38, 1-based): chr14:104,774,005, G>A on the plus strand (C>T on the coding strand, the complement: AKT1 is on the minus strand). VCF-style: chr14-104774005-G-A. GRCh37 (hg19) VCF-style: chr14-105240342-G-A.
Other names: c.634-25C>T (NM_001014431.2, NM_001014432.2, NM_001382433.1 and 3 more transcripts).
Identifiers: ClinVar variation 5038969 (VCV005038969.1).